The following is an entry in ClinVar:

NM_006206.6(PDGFRA):c.1386G>A (p.Trp462Ter)

Gene: PDGFRA (platelet derived growth factor receptor alpha; plus strand). Cytogenetic location: 4q12.
Variant type: single nucleotide variant.
Coding change: c.1386G>A on transcript NM_006206.6 (MANE Select); coding-DNA position 1386, G replaced by A.
Protein change: p.Trp462Ter; replaces tryptophan 462 with a stop codon.
Molecular consequence: nonsense.
Genome position (GRCh38, 1-based): chr4:54,273,558, G>A. VCF-style: chr4-54273558-G-A. GRCh37 (hg19) VCF-style: chr4-55139725-G-A.
Other names: c.1386G>A, p.Trp462Ter (NM_001347827.2, NM_001347829.2); c.1461G>A, p.Trp487Ter (NM_001347828.2); c.1425G>A, p.Trp475Ter (NM_001347830.2); short protein forms W462*, W475*, W487*.
Identifiers: ClinVar variation 1994310 (VCV001994310.4), dbSNP rs2110291401, ClinGen allele CA356892461.
Genomic context (GRCh38, chr4:54,273,558, plus strand): 5'-CAGGAATTGGCCCTATACTTAGGCCCTTTTTCTCTCTAGATGTAATAATGAAACTTCCTG[G>A]ACTATTTTGGCCAACAATGTCTCAAACATCATCACGGAGATCCACTCCCGAGACAGGAGT-3'

ClinVar aggregate classification (germline): Uncertain significance (1 of 4 stars; one submission).

Conditions:
Gastrointestinal stromal tumor. Also called: Gastrointestinal stroma tumor; Gastrointestinal stromal tumor, somatic. Identifiers: Orphanet 44890, MedGen C0238198, MeSH D046152, MONDO:0011719, OMIM 606764, HP:0100723.

Submission:

Labcorp Genetics (formerly Invitae), Labcorp
Classification: Uncertain significance for Gastrointestinal stromal tumor. Last evaluated: 2022-05-17. Review status: criteria provided, single submitter. Criteria: Invitae Variant Classification Sherloc (09022015). Collection method: clinical testing. Allele origin: germline.
Comment: This sequence change creates a premature translational stop signal (p.Trp462*) in the PDGFRA gene. It is expected to result in an absent or disrupted protein product. However, the current clinical and genetic evidence is not sufficient to establish whether loss-of-function variants in PDGFRA cause disease. This variant is not present in population databases (gnomAD no frequency). This variant has not been reported in the literature in individuals affected with PDGFRA-related conditions. In summary, the available evidence is currently insufficient to determine the role of this variant in disease. Therefore, it has been classified as a Variant of Uncertain Significance.